The following is an entry in ClinVar:

NM_001376.5(DYNC1H1):c.10024A>G (p.Ile3342Val)

Gene: DYNC1H1 (dynein cytoplasmic 1 heavy chain 1; plus strand). Cytogenetic location: 14q32.31.
Variant type: single nucleotide variant.
Coding change: c.10024A>G on transcript NM_001376.5 (MANE Select); coding-DNA position 10024, A replaced by G.
Protein change: p.Ile3342Val; replaces isoleucine 3342 with valine.
Molecular consequence: missense variant.
Genome position (GRCh38, 1-based): chr14:102,032,412, A>G. VCF-style: chr14-102032412-A-G. GRCh37 (hg19) VCF-style: chr14-102498749-A-G.
Other names: short protein forms I3342V.
Identifiers: ClinVar variation 4536464 (VCV004536464.1).

ClinVar aggregate classification (germline): Uncertain significance (1 of 4 stars; one submission).

Submission:

GeneDx
Classification: Uncertain significance. Last evaluated: 2025-06-04. Review status: criteria provided, single submitter. Criteria: GeneDx Variant Classification Process June 2021. Collection method: clinical testing. Allele origin: germline. Affected: yes.
Comment: Not observed at significant frequency in large population cohorts (gnomAD); In silico analysis suggests that this missense variant does not alter protein structure/function; Has not been previously published as pathogenic or benign to our knowledge; This variant is associated with the following publications: (PMID: 25512093, 25609763, 26100331)